The following is an entry in ClinVar:

NM_001002295.2(GATA3):c.448C>A (p.Leu150Ile)

Gene: GATA3 (GATA binding protein 3; plus strand). Cytogenetic location: 10p14.
Variant type: single nucleotide variant.
Coding change: c.448C>A on transcript NM_001002295.2 (MANE Select); coding-DNA position 448, C replaced by A.
Protein change: p.Leu150Ile; replaces leucine 150 with isoleucine.
Molecular consequence: missense variant.
Genome position (GRCh38, 1-based): chr10:8,058,511, C>A. VCF-style: chr10-8058511-C-A. GRCh37 (hg19) VCF-style: chr10-8100474-C-A.
Other names: c.448C>A, p.Leu150Ile (NM_002051.3); short protein forms L150I.
Identifiers: ClinVar variation 134469 (VCV000134469.6), dbSNP rs587778379, ClinGen allele CA159914.

ClinVar aggregate classification (germline): Uncertain significance. Review status: criteria provided, multiple submitters, no conflicts (2 of 4 stars). 3 submissions from 3 submitters: Uncertain significance (2). 1 of the submissions does not count toward it. Last evaluated 2024-10-28.

Conditions:
Hypoparathyroidism, deafness, renal disease syndrome (HDRS). Also called: HYPOPARATHYROIDISM, SENSORINEURAL DEAFNESS, AND RENAL DYSPLASIA SYNDROME. Identifiers: Orphanet 2237, MedGen C1840333, MONDO:0007797, OMIM 146255.

Allele frequency attached by ClinVar (database versions not stated): gnomAD exomes 0.00002; gnomAD 0.00001; ExAC 0.00002; TOPMed 0.00002.
gnomAD v4.1: 13 of 1,612,256 alleles (0.00081%); highest among the groups gnomAD compares: Admixed American, 0.013%; no homozygotes.

Submissions (3):

Labcorp Genetics (formerly Invitae), Labcorp
Classification: Uncertain significance. Last evaluated: 2024-10-28. Review status: criteria provided, single submitter. Criteria: Invitae Variant Classification Sherloc (09022015). Collection method: clinical testing. Allele origin: germline.
Comment: This sequence change replaces leucine, which is neutral and non-polar, with isoleucine, which is neutral and non-polar, at codon 150 of the GATA3 protein (p.Leu150Ile). This variant is present in population databases (rs587778379, gnomAD 0.01%). This variant has not been reported in the literature in individuals affected with GATA3-related conditions. ClinVar contains an entry for this variant (Variation ID: 134469). Invitae Evidence Modeling of protein sequence and biophysical properties (such as structural, functional, and spatial information, amino acid conservation, physicochemical variation, residue mobility, and thermodynamic stability) indicates that this missense variant is not expected to disrupt GATA3 protein function with a negative predictive value of 80%. In summary, the available evidence is currently insufficient to determine the role of this variant in disease. Therefore, it has been classified as a Variant of Uncertain Significance.

Fulgent Genetics
Classification: Uncertain significance for Hypoparathyroidism, deafness, renal disease syndrome. Last evaluated: 2024-02-26. Review status: criteria provided, single submitter. Criteria: ACMG Guidelines, 2015. Collection method: clinical testing. Allele origin: germline.

ITMI
No classification provided. Condition: AllHighlyPenetrant. Last evaluated: 2013-09-19. Review status: no classification provided. Collection method: reference population. Allele origin: germline. Not counted in ClinVar's aggregate classification.
Comment: Please see associated publication for description of ethnicities

Literature cited by the submitters: PubMed 24728327 (cited by ITMI).